The following is an entry in ClinVar:

ClinVar aggregate classification (germline): Uncertain significance (1 of 4 stars; one submission).

Conditions:
Baller-Gerold syndrome (BGS). Also called: CRANIOSYNOSTOSIS WITH RADIAL DEFECTS. Identifiers: Orphanet 1225, MedGen C0265308, MONDO:0009039, OMIM 218600.

Submission:

Labcorp Genetics (formerly Invitae), Labcorp
Classification: Uncertain significance for Baller-Gerold syndrome. Last evaluated: 2026-01-19. Review status: criteria provided, single submitter. Criteria: Invitae Variant Classification Sherloc (09022015). Collection method: clinical testing. Allele origin: germline.
Comment: This sequence change replaces arginine, which is basic and polar, with leucine, which is neutral and non-polar, at codon 1069 of the RECQL4 protein (p.Arg1069Leu). This variant is present in population databases (no rsID available, gnomAD 0.003%). This variant has not been reported in the literature in individuals affected with RECQL4-related conditions. Invitae Evidence Modeling of protein sequence and biophysical properties (such as structural, functional, and spatial information, amino acid conservation, physicochemical variation, residue mobility, and thermodynamic stability) indicates that this missense variant is not expected to disrupt RECQL4 protein function with a negative predictive value of 80%. In summary, the available evidence is currently insufficient to determine the role of this variant in disease. Therefore, it has been classified as a Variant of Uncertain Significance.

NM_004260.4(RECQL4):c.3206G>T (p.Arg1069Leu)

Gene: RECQL4 (RecQ like helicase 4; minus strand). Cytogenetic location: 8q24.3.
Variant type: single nucleotide variant.
Coding change: c.3206G>T on transcript NM_004260.4 (MANE Select); coding-DNA position 3206, G replaced by T.
Protein change: p.Arg1069Leu; replaces arginine 1069 with leucine.
Molecular consequence: missense variant. On other transcripts: non-coding transcript variant (3).
Genome position (GRCh38, 1-based): chr8:144,512,174, C>A on the plus strand (G>T on the coding strand, the complement: RECQL4 is on the minus strand). VCF-style: chr8-144512174-C-A. GRCh37 (hg19) VCF-style: chr8-145737557-C-A.
Other names: c.1937G>T, p.Arg646Leu (NM_001413038.1, NM_001413031.1); c.3176G>T, p.Arg1059Leu (NM_001413039.1); c.2135G>T, p.Arg712Leu (NM_001413040.1, NM_001413021.1, NM_001413022.1 and 4 more transcripts); c.2144G>T, p.Arg715Leu (NM_001413041.1); c.2105G>T, p.Arg702Leu (NM_001413042.1); c.1739G>T, p.Arg580Leu (NM_001413043.1); c.2912G>T, p.Arg971Leu (NM_001413017.1); c.3008G>T, p.Arg1003Leu (NM_001413018.1); and 9 more; short protein forms R737L, R971L, R1025L, R1059L, R715L, R1069L, R1094L, R646L.
Identifiers: ClinVar variation 4762329 (VCV004762329.1).